The following is an entry in ClinVar:

ClinVar aggregate classification (germline): Conflicting classifications of pathogenicity. Review status: criteria provided, conflicting classifications (1 of 4 stars). 8 submissions from 7 submitters: Uncertain significance (2); Benign (3); Likely benign (3). Last evaluated 2026-03-01.

Conditions:
Autoinflammatory syndrome. Identifiers: Orphanet 93665, MedGen C3890737, MONDO:0019751.
Inflammatory bowel disease 1 (IBD1). Also called: INFLAMMATORY BOWEL DISEASE (CROHN DISEASE) 1; Inflammatory bowel disease 1, Crohn disease. Identifiers: MedGen CN260071, MONDO:0009960, OMIM 266600.
Blau syndrome (BLAUS). Also called: GRANULOMATOSIS, FAMILIAL JUVENILE SYSTEMIC; GRANULOMATOSIS, FAMILIAL, BLAU TYPE; GRANULOMATOUS INFLAMMATORY ARTHRITIS, DERMATITIS, AND UVEITIS, FAMILIAL; JABS SYNDROME; ARTHROCUTANEOUVEAL GRANULOMATOSIS. Identifiers: Orphanet 90340, MedGen C5201146, MONDO:0008523, OMIM 186580.
Regional enteritis. Also called: Enteritis, Granulomatous. Identifiers: MedGen C0678202, MeSH D003424.

Allele frequency attached by ClinVar (database versions not stated): ESP Exome Variant Server 0.00008; gnomAD 0.00023 and 0.00024; TOPMed 0.00025; ExAC 0.00033; gnomAD exomes 0.00049.
gnomAD v4.1: 447 of 1,608,530 alleles (0.028%); highest among the groups gnomAD compares: Middle Eastern, 0.049%; 1 homozygote.

Submissions (8):

CeGaT Center for Human Genetics Tuebingen
Classification: Likely benign. Last evaluated: 2026-03-01. Review status: criteria provided, single submitter. Criteria: CeGaT Center For Human Genetics Tuebingen Variant Classification Criteria Version 2. Collection method: clinical testing. Allele origin: germline. Affected: yes. Observed: 1 variant allele.
Comment: NOD2: BP4

Labcorp Genetics (formerly Invitae), Labcorp
Classification: Benign for Regional enteritis; Blau syndrome. Last evaluated: 2026-01-24. Review status: criteria provided, single submitter. Criteria: Invitae Variant Classification Sherloc (09022015). Collection method: clinical testing. Allele origin: germline.

Women's Health and Genetics/Laboratory Corporation of America, LabCorp
Classification: Benign. Last evaluated: 2025-01-28. Review status: criteria provided, single submitter. Criteria: LabCorp Variant Classification Summary - May 2015. Collection method: clinical testing. Allele origin: germline.
Comment: Variant summary: NOD2 c.2003C>T (p.Pro668Leu) results in a non-conservative amino acid change located in the NLRC4 helical domain HD2 (IPR041267) of the encoded protein sequence. Three of five in-silico tools predict a benign effect of the variant on protein function. The variant allele was found at a frequency of 0.00028 in 1608530 control chromosomes in the gnomAD database, including 1 homozygotes. The observed variant frequency is approximately 400 fold of the estimated maximal expected allele frequency for a pathogenic variant in NOD2 causing Blau syndrome phenotype (6.3e-07). To our knowledge, no occurrence of c.2003C>T in individuals affected with Blau syndrome and no experimental evidence demonstrating its impact on protein function have been reported. ClinVar contains an entry for this variant (Variation ID: 319456). Based on the evidence outlined above, the variant was classified as benign.

Blueprint Genetics
Classification: Likely benign. Last evaluated: 2024-11-27. Review status: criteria provided, single submitter. Criteria: ACMG Guidelines, 2015. Collection method: clinical testing. Allele origin: germline.

ARUP Laboratories, Molecular Genetics and Genomics, ARUP Laboratories
Classification: Uncertain significance. Last evaluated: 2021-03-16. Review status: criteria provided, single submitter. Criteria: ARUP Molecular Germline Variant Investigation Process 2021. Collection method: clinical testing. Allele origin: germline.
Comment: The NOD2 c.2003C>T; p.Pro668Leu variant (rs5743275), to our knowledge, is not reported in the medical literature but is reported in the Infevers database (see link). This variant is reported in ClinVar (Variation ID: 319456) and is found in the Ashkenazi Jewish population with an allele frequency of 1% (99/10108 alleles) in the Genome Aggregation Database. The proline at codon 668 is moderately conserved, but computational analyses are uncertain whether this variant is neutral or deleterious (REVEL: 0.385). However, given the lack of clinical and functional data, the significance of the p.Pro668Leu variant is uncertain at this time. References: Link to Infevers database

Genome Diagnostics Laboratory, The Hospital for Sick Children
Classification: Likely benign for Autoinflammatory syndrome. Last evaluated: 2021-03-16. Review status: criteria provided, single submitter. Criteria: ACMG Guidelines, 2015. Collection method: clinical testing. Allele origin: germline. Affected: yes.

Illumina Laboratory Services, Illumina
Classification: Benign for Blau syndrome. Last evaluated: 2018-01-12. Review status: criteria provided, single submitter. Criteria: ICSL Variant Classification Criteria 13 December 2019. Collection method: clinical testing. Allele origin: germline.
Comment: This variant was observed in the ICSL laboratory as part of a predisposition screen in an ostensibly healthy population. It had not been previously curated by ICSL or reported in the Human Gene Mutation Database (HGMD: prior to June 1st, 2018), and was therefore a candidate for classification through an automated scoring system. Utilizing variant allele frequency, disease prevalence and penetrance estimates, and inheritance mode, an automated score was calculated to assess if this variant is too frequent to cause the disease. Based on the score and internal cut-off values, a variant classified as benign is not then subjected to further curation. The score for this variant resulted in a classification of benign for this disease.

Illumina Laboratory Services, Illumina
Classification: Uncertain significance for Inflammatory bowel disease 1. Last evaluated: 2018-01-12. Review status: criteria provided, single submitter. Criteria: ICSL Variant Classification Criteria 13 December 2019. Collection method: clinical testing. Allele origin: germline.

NM_001370466.1(NOD2):c.1922C>T (p.Pro641Leu)

Gene: NOD2 (nucleotide binding oligomerization domain containing 2; plus strand). Cytogenetic location: 16q12.1.
Variant type: single nucleotide variant.
Coding change: c.1922C>T on transcript NM_001370466.1 (MANE Select); coding-DNA position 1922, C replaced by T.
Protein change: p.Pro641Leu; replaces proline 641 with leucine.
Molecular consequence: missense variant. On other transcripts: non-coding transcript variant (1).
Genome position (GRCh38, 1-based): chr16:50,711,914, C>T. VCF-style: chr16-50711914-C-T. GRCh37 (hg19) VCF-style: chr16-50745825-C-T.
Other names: c.1922C>T, p.Pro641Leu (NM_001293557.2); c.2003C>T, p.Pro668Leu (NM_022162.3); c.2003C>T (LRG_177t1); short protein forms P668L, P641L.
Identifiers: ClinVar variation 319456 (VCV000319456.34), dbSNP rs5743275, ClinGen allele CA8051668.